The following is an entry in ClinVar:

NM_004341.5(CAD):c.4819C>G (p.Gln1607Glu)

Gene: CAD (carbamoyl-phosphate synthetase 2, aspartate transcarbamylase, and dihydroorotase; plus strand). Cytogenetic location: 2p23.3.
Variant type: single nucleotide variant.
Coding change: c.4819C>G on transcript NM_004341.5 (MANE Select); coding-DNA position 4819, C replaced by G.
Protein change: p.Gln1607Glu; replaces glutamine 1607 with glutamic acid.
Molecular consequence: missense variant.
Genome position (GRCh38, 1-based): chr2:27,238,146, C>G. VCF-style: chr2-27238146-C-G. GRCh37 (hg19) VCF-style: chr2-27461014-C-G.
Other names: c.4630C>G, p.Gln1544Glu (NM_001306079.2); short protein forms Q1544E, Q1607E.
Identifiers: ClinVar variation 2008985 (VCV002008985.4), dbSNP rs2465348414, ClinGen allele CA346221513.
Genomic context (GRCh38, chr2:27,238,146, plus strand): 5'-ATTGTGGCTCACGCAGAGCAGCAAACCGTGGCTGCTGTCCTCATGGTGGCTCAGCTCACT[C>G]AGCGCTCAGTGCACATATGTCACGTGGCACGGAAGGAGGAGGTAAGAGTACACCTGAGAT-3'
Protein context (NP_004332.2, residues 1597-1617): AAVLMVAQLT[Gln1607Glu]RSVHICHVAR

ClinVar aggregate classification (germline): Uncertain significance (1 of 4 stars; one submission).

Submission:

Labcorp Genetics (formerly Invitae), Labcorp
Classification: Uncertain significance. Last evaluated: 2023-10-13. Review status: criteria provided, single submitter. Criteria: Invitae Variant Classification Sherloc (09022015). Collection method: clinical testing. Allele origin: germline.
Comment: This sequence change replaces glutamine, which is neutral and polar, with glutamic acid, which is acidic and polar, at codon 1607 of the CAD protein (p.Gln1607Glu). This variant is not present in population databases (gnomAD no frequency). This variant has not been reported in the literature in individuals affected with CAD-related conditions. ClinVar contains an entry for this variant (Variation ID: 2008985). An algorithm developed to predict the effect of missense changes on protein structure and function (PolyPhen-2) suggests that this variant is likely to be tolerated. In summary, the available evidence is currently insufficient to determine the role of this variant in disease. Therefore, it has been classified as a Variant of Uncertain Significance.